The following is an entry in ClinVar:

ClinVar aggregate classification (germline): Conflicting classifications of pathogenicity. Review status: criteria provided, conflicting classifications (1 of 4 stars). 4 submissions from 4 submitters: Uncertain significance (1); Benign (1); Likely benign (1). 1 of the submissions does not count toward it. Last evaluated 2026-01-12.

Conditions:
RAI1-related disorder. Also called: RAI1-related condition.
Inborn genetic diseases. Identifiers: MedGen C0950123, MeSH D030342.

Allele frequency attached by ClinVar (database versions not stated): gnomAD exomes below 0.00001 and 0.00001; gnomAD 0.00001; TOPMed 0.00002.
gnomAD v4.1: 7 of 1,613,542 alleles (0.00043%); highest among the groups gnomAD compares: Admixed American, 0.005%; no homozygotes.

Submissions (4):

Labcorp Genetics (formerly Invitae), Labcorp
Classification: Benign. Last evaluated: 2026-01-12. Review status: criteria provided, single submitter. Criteria: Invitae Variant Classification Sherloc (09022015). Collection method: clinical testing. Allele origin: germline.

Ambry Genetics
Classification: Likely benign for Inborn genetic diseases. Last evaluated: 2024-01-23. Review status: criteria provided, single submitter. Criteria: Ambry Variant Classification Scheme 2023. Collection method: clinical testing. Allele origin: germline.

CeGaT Center for Human Genetics Tuebingen
Classification: Uncertain significance. Last evaluated: 2016-11-01. Review status: criteria provided, single submitter. Criteria: CeGaT Center For Human Genetics Tuebingen Variant Classification Criteria Version 2. Collection method: clinical testing. Allele origin: germline. Affected: yes. Observed: 1 variant allele.

PreventionGenetics, part of Exact Sciences
Classification: Uncertain significance for RAI1-related condition. Last evaluated: 2024-05-24. Review status: no assertion criteria provided. Collection method: clinical testing. Allele origin: germline. Not counted in ClinVar's aggregate classification.
Comment: The RAI1 c.2329G>C variant is predicted to result in the amino acid substitution p.Asp777His. To our knowledge, this variant has not been reported in the literature. This variant is reported in 0.0058% of alleles in individuals of Latino descent in gnomAD. At this time, the clinical significance of this variant is uncertain due to the absence of conclusive functional and genetic evidence.

NM_030665.4(RAI1):c.2329G>C (p.Asp777His)

Gene: RAI1 (retinoic acid induced 1; plus strand). Cytogenetic location: 17p11.2.
Variant type: single nucleotide variant.
Coding change: c.2329G>C on transcript NM_030665.4 (MANE Select); coding-DNA position 2329, G replaced by C.
Protein change: p.Asp777His; replaces aspartic acid 777 with histidine.
Molecular consequence: missense variant.
Genome position (GRCh38, 1-based): chr17:17,795,277, G>C. VCF-style: chr17-17795277-G-C. GRCh37 (hg19) VCF-style: chr17-17698591-G-C.
Other names: c.2329G>C (NM_030665.3); short protein forms D777H.
Identifiers: ClinVar variation 425125 (VCV000425125.48), dbSNP rs959911033, ClinGen allele CA16621702.